The following is an entry in ClinVar:

NM_006005.3(WFS1):c.817G>A (p.Glu273Lys)

Gene: WFS1 (wolframin ER transmembrane glycoprotein; plus strand). Cytogenetic location: 4p16.1.
Variant type: single nucleotide variant.
Coding change: c.817G>A on transcript NM_006005.3 (MANE Select); coding-DNA position 817, G replaced by A.
Protein change: p.Glu273Lys; replaces glutamic acid 273 with lysine.
Molecular consequence: missense variant.
Genome position (GRCh38, 1-based): chr4:6,295,145, G>A. VCF-style: chr4-6295145-G-A. GRCh37 (hg19) VCF-style: chr4-6296872-G-A.
Other names: p.E273K:GAG>AAG; c.817G>A, p.Glu273Lys (NM_001145853.1); short protein forms E273K.
Identifiers: ClinVar variation 215382 (VCV000215382.17), dbSNP rs142428158, ClinGen allele CA324907.

ClinVar aggregate classification (germline): Conflicting classifications of pathogenicity. Review status: criteria provided, conflicting classifications (1 of 4 stars). 6 submissions from 6 submitters: Uncertain significance (3); Likely benign (3). Last evaluated 2025-12-30.

Conditions:
WFS1-related disorder. Identifiers: MedGen CN379391, MONDO:0700293.
Autosomal dominant nonsyndromic hearing loss 6 (LFSNHL). Also called: Autosomal dominant nonsyndromic deafness 6; DEAFNESS, AUTOSOMAL DOMINANT 6; DEAFNESS, AUTOSOMAL DOMINANT 14; DEAFNESS, AUTOSOMAL DOMINANT 38. Identifiers: Orphanet 90635, MedGen C1833021, MONDO:0010963, OMIM 600965.
Type 2 diabetes mellitus. Also called: Type II diabetes mellitus. Identifiers: MedGen C0011860, MeSH D003924, MONDO:0005148, OMIM 125853, HP:0005978.
Wolfram-like syndrome. Also called: HEARING LOSS, PROGRESSIVE, WITH OPTIC ATROPHY AND/OR IMPAIRED GLUCOSE REGULATION. Identifiers: Orphanet 411590, MedGen C3280358, MONDO:0013673, OMIM 614296.
Cataract 41 (CTRCT41). Also called: CATARACT 41, CONGENITAL NUCLEAR TYPE. Identifiers: Orphanet 91492, Orphanet 98991, Orphanet 98992, Orphanet 98995, MedGen C3805412, MONDO:0007287, OMIM 116400.
Wolfram syndrome 1 (WFS1). Identifiers: Orphanet 3463, MedGen C4551693, MONDO:0009101, OMIM 222300.

Allele frequency attached by ClinVar (database versions not stated): ESP Exome Variant Server 0.00008; 1000 Genomes Project 30x 0.00016; 1000 Genomes Project 0.00020; gnomAD 0.00003; TOPMed 0.00005.
gnomAD v4.1: 165 of 1,612,748 alleles (0.01%); highest among the groups gnomAD compares: Admixed American, 0.1%; no homozygotes.

Submissions (6):

Labcorp Genetics (formerly Invitae), Labcorp
Classification: Likely benign. Last evaluated: 2025-12-30. Review status: criteria provided, single submitter. Criteria: Invitae Variant Classification Sherloc (09022015). Collection method: clinical testing. Allele origin: germline.

PreventionGenetics, part of Exact Sciences
Classification: Likely benign for WFS1-related condition. Last evaluated: 2025-01-21. Review status: criteria provided, single submitter. Criteria: ACMG Guidelines, 2015. Collection method: clinical testing. Allele origin: germline.
Comment: This variant is classified as likely benign based on ACMG/AMP sequence variant interpretation guidelines (Richards et al. 2015 PMID: 25741868, with internal and published modifications).

Blueprint Genetics
Classification: Uncertain significance. Last evaluated: 2024-10-31. Review status: criteria provided, single submitter. Criteria: ACMG Guidelines, 2015. Collection method: clinical testing. Allele origin: germline.

GeneDx
Classification: Likely benign. Last evaluated: 2021-04-21. Review status: criteria provided, single submitter. Criteria: GeneDx Variant Classification Process June 2021. Collection method: clinical testing. Allele origin: germline. Affected: yes.
Comment: This variant is associated with the following publications: (PMID: 26435059)

Fulgent Genetics
Classification: Uncertain significance for Cataract 41; Type 2 diabetes mellitus; Wolfram syndrome 1; Autosomal dominant nonsyndromic hearing loss 6; Wolfram-like syndrome. Last evaluated: 2018-10-31. Review status: criteria provided, single submitter. Criteria: ACMG Guidelines, 2015. Collection method: clinical testing. Allele origin: unknown.

Laboratory for Molecular Medicine, Mass General Brigham Personalized Medicine
Classification: Uncertain significance. Last evaluated: 2017-05-09. Review status: criteria provided, single submitter. Criteria: LMM Criteria. Collection method: clinical testing. Allele origin: germline. Observed: 1 variant allele.
Comment: The p.Glu273Lys variant in WFS1 has not been previously reported in individuals with hearing loss, but has been reported in ClinVar (Variation ID 215382) as of uncertain significance. It has also been identified in 0.16% (54/34416) of Latin o chromosomes by the Genome Aggregation Database (gnomAD; dbSNP rs142428158). Although this variant has been seen in the gener al population, its frequency is not high enough to rule out a pathogenic role. C omputational prediction tools and conservation analysis do not provide strong su pport for or against an impact to the protein. In summary, the clinical signific ance of the p.Glu273Lys variant is uncertain.

Literature cited by the submitters: PubMed 26435059 (cited by Laboratory for Molecular Medicine, Mass General Brigham Personalized Medicine).